The following is an entry in ClinVar:

NM_020774.4(MIB1):c.1711A>G (p.Ile571Val)

Gene: MIB1 (MIB E3 ubiquitin protein ligase 1; plus strand). Cytogenetic location: 18q11.2.
Variant type: single nucleotide variant.
Coding change: c.1711A>G on transcript NM_020774.4 (MANE Select); coding-DNA position 1711, A replaced by G.
Protein change: p.Ile571Val; replaces isoleucine 571 with valine.
Molecular consequence: missense variant.
Genome position (GRCh38, 1-based): chr18:21,819,528, A>G. VCF-style: chr18-21819528-A-G. GRCh37 (hg19) VCF-style: chr18-19399489-A-G.
Other names: short protein forms I571V.
Identifiers: ClinVar variation 1778568 (VCV001778568.2), dbSNP rs1353114067, ClinGen allele CA401759439.

ClinVar aggregate classification (germline): Uncertain significance (1 of 4 stars; one submission).

Conditions:
Inborn genetic diseases. Identifiers: MedGen C0950123, MeSH D030342.

Allele frequency attached by ClinVar (database versions not stated): gnomAD 0.00001; gnomAD exomes 0.00001; TOPMed 0.00002.
gnomAD v4.1: 12 of 1,609,222 alleles (0.00075%); highest among the groups gnomAD compares: Admixed American, 0.0017%; no homozygotes.

Submission:

Ambry Genetics
Classification: Uncertain significance for Inborn genetic diseases. Last evaluated: 2021-10-16. Review status: criteria provided, single submitter. Criteria: Ambry Variant Classification Scheme 2023. Collection method: clinical testing. Allele origin: germline.
Comment: The p.I571V variant (also known as c.1711A>G), located in coding exon 12 of the MIB1 gene, results from an A to G substitution at nucleotide position 1711. The isoleucine at codon 571 is replaced by valine, an amino acid with highly similar properties. This amino acid position is conserved. In addition, this alteration is predicted to be tolerated by in silico analysis. Since supporting evidence is limited at this time, the clinical significance of this alteration remains unclear.